The following is an entry in ClinVar:

ClinVar aggregate classification (germline): Likely benign. Review status: criteria provided, single submitter (1 of 4 stars). 2 submissions from 2 submitters: Likely benign (1). 1 of the submissions does not count toward it. Last evaluated 2024-09-08.

Conditions:
RP1L1-related disorder. Also called: RP1L1-related condition.

gnomAD v4.1: 178 of 1,613,484 alleles (0.011%); highest among the groups gnomAD compares: African/African-American, 0.2%; no homozygotes.

Submissions (2):

Blueprint Genetics
Classification: Likely benign. Last evaluated: 2024-09-08. Review status: criteria provided, single submitter. Criteria: ACMG Guidelines, 2015. Collection method: clinical testing. Allele origin: germline.

PreventionGenetics, part of Exact Sciences
Classification: Likely benign for RP1L1-related condition. Last evaluated: 2024-08-21. Review status: no assertion criteria provided. Collection method: clinical testing. Allele origin: germline. Not counted in ClinVar's aggregate classification.
Comment: This variant is classified as likely benign based on ACMG/AMP sequence variant interpretation guidelines (Richards et al. 2015 PMID: 25741868, with internal and published modifications).

NM_178857.6(RP1L1):c.4977C>T (p.Cys1659=)

Gene: RP1L1 (RP1 like 1). Cytogenetic location: 8p23.1.
Variant type: single nucleotide variant.
Coding change: c.4977C>T on transcript NM_178857.6 (MANE Select); coding-DNA position 4977, C replaced by T.
Protein change: p.Cys1659=; no amino-acid change (cysteine 1659 retained).
Molecular consequence: synonymous variant.
Genome position (GRCh38, 1-based): chr8:10,609,121, G>A on the plus strand (C>T on the coding strand, the complement: RP1L1 is on the minus strand). VCF-style: chr8-10609121-G-A. GRCh37 (hg19) VCF-style: chr8-10466631-G-A.
Identifiers: ClinVar variation 3353449 (VCV003353449.2).
Genomic context (GRCh38, chr8:10,609,121, plus strand): 5'-GGTTGCCCCCATTGTGGCCTTGGGGGACATAGGGCTCACTTTCTTCCTCACGCAGGCCTC[G>A]CAGGGACAGAACTCCTCCCCCTCCGCCTCCTCGCCCAGCTGGCTCCCCAGGGCTGTGCTG-3'
Protein context (NP_849188.4, residues 1649-1669): EEAEGEEFCP[Cys1659=]EACVRKKVSP